The following is an entry in ClinVar:

ClinVar aggregate classification (germline): Conflicting classifications of pathogenicity. Review status: criteria provided, conflicting classifications (1 of 4 stars). 2 submissions from 2 submitters: Likely pathogenic (1); Uncertain significance (1). Last evaluated 2026-10-09.

Conditions:
Inborn genetic diseases. Identifiers: MedGen C0950123, MeSH D030342.

Allele frequency attached by ClinVar (database versions not stated): gnomAD exomes 0.00001.
gnomAD v4.1: 8 of 1,613,700 alleles (0.0005%); highest among the groups gnomAD compares: Non-Finnish European, 0.00059%; no homozygotes.

Submissions (2):

GeneDx
Classification: Likely pathogenic. Last evaluated: 2026-10-09. Review status: criteria provided, single submitter. Criteria: GeneDx Variant Classification Process June 2021. Collection method: clinical testing. Allele origin: germline.
Comment: Not observed at significant frequency in large population cohorts (gnomAD); Missense variants in this gene are a common cause of disease and they are underrepresented in the general population; In silico analysis supports that this missense variant has a deleterious effect on protein structure/function; This variant is associated with the following publications: (PMID: 38113582)

Ambry Genetics
Classification: Uncertain significance for Inborn genetic diseases. Last evaluated: 2022-11-18. Review status: criteria provided, single submitter. Criteria: Ambry Variant Classification Scheme 2023. Collection method: clinical testing. Allele origin: germline.

NM_006086.4(TUBB3):c.826C>T (p.Arg276Trp)

Gene: TUBB3 (tubulin beta 3 class III; plus strand). Cytogenetic location: 16q24.3.
Variant type: single nucleotide variant.
Coding change: c.826C>T on transcript NM_006086.4 (MANE Select); coding-DNA position 826, C replaced by T.
Protein change: p.Arg276Trp; replaces arginine 276 with tryptophan.
Molecular consequence: missense variant.
Genome position (GRCh38, 1-based): chr16:89,935,277, C>T. VCF-style: chr16-89935277-C-T. GRCh37 (hg19) VCF-style: chr16-90001685-C-T.
Other names: c.610C>T, p.Arg204Trp (NM_001197181.2); short protein forms R204W, R276W.
Identifiers: ClinVar variation 2136125 (VCV002136125.5), dbSNP rs2544627752, ClinGen allele CA397475468.